The following is an entry in ClinVar:

ClinVar aggregate classification (germline): Uncertain significance (0 of 4 stars; one submission).

Conditions:
FASN-related disorder. Also called: FASN-related condition.

Submission:

PreventionGenetics, part of Exact Sciences
Classification: Uncertain significance for FASN-related condition. Last evaluated: 2024-06-03. Review status: no assertion criteria provided. Collection method: clinical testing. Allele origin: germline.
Comment: The FASN c.5450G>A variant is predicted to result in the amino acid substitution p.Gly1817Asp. To our knowledge, this variant has not been reported in the literature or in a large population database, indicating this variant is rare. At this time, the clinical significance of this variant is uncertain due to the absence of conclusive functional and genetic evidence.

NM_004104.5(FASN):c.5450G>A (p.Gly1817Asp)

Gene: FASN (fatty acid synthase; minus strand). Cytogenetic location: 17q25.3.
Variant type: single nucleotide variant.
Coding change: c.5450G>A on transcript NM_004104.5 (MANE Select); coding-DNA position 5450, G replaced by A.
Protein change: p.Gly1817Asp; replaces glycine 1817 with aspartic acid.
Molecular consequence: missense variant.
Genome position (GRCh38, 1-based): chr17:82,083,317, C>T on the plus strand (G>A on the coding strand, the complement: FASN is on the minus strand). VCF-style: chr17-82083317-C-T. GRCh37 (hg19) VCF-style: chr17-80041193-C-T.
Other names: short protein forms G1817D.
Identifiers: ClinVar variation 3346518 (VCV003346518.1).